The following is an entry in ClinVar:

NM_007294.4(BRCA1):c.548-3T>C

Gene: BRCA1 (BRCA1 DNA repair associated; minus strand). Cytogenetic location: 17q21.31.
Variant type: single nucleotide variant.
Coding change: c.548-3T>C on transcript NM_007294.4 (MANE Select); 3 bases into the intron before coding-DNA position 548, T replaced by C.
Molecular consequence: intron variant.
Genome position (GRCh38, 1-based): chr17:43,097,292, A>G on the plus strand (T>C on the coding strand, the complement: BRCA1 is on the minus strand). VCF-style: chr17-43097292-A-G. GRCh37 (hg19) VCF-style: chr17-41249309-A-G.
Other names: IVS8-3T>C; c.404-3T>C (NM_001407843.1, NM_001408465.1, NM_001408463.1 and 26 more transcripts); c.407-3T>C (NM_001408456.1, NM_001407733.1, NM_001407942.1 and 43 more transcripts); c.338-3T>C (NM_001408482.1, NM_001407900.1, NM_001408484.1 and 27 more transcripts); c.407-2432T>C (NM_001407920.1, NM_001408499.1, NM_001407933.1 and 15 more transcripts); c.335-2432T>C (NM_001407954.1, NM_001407956.1, NM_001408509.1 and 3 more transcripts); c.404-2432T>C (NM_001408504.1, NM_001407931.1, NM_001407932.1 and 5 more transcripts); c.548-3T>C (NM_001408422.1, NM_001408418.1, NM_001407981.1 and 58 more transcripts); and 18 more.
Identifiers: ClinVar variation 37677 (VCV000037677.20), dbSNP rs397507252, ClinGen allele CA003654.

ClinVar aggregate classification (germline): Conflicting classifications of pathogenicity. Review status: criteria provided, conflicting classifications (1 of 4 stars). 8 submissions from 8 submitters: Uncertain significance (3); Likely benign (3). 2 of the submissions do not count toward it. Last evaluated 2024-09-24.

Conditions:
Hereditary cancer-predisposing syndrome. Also called: Tumor predisposition; Neoplastic Syndromes, Hereditary; Hereditary Cancer Syndrome; Hereditary neoplastic syndrome. Identifiers: Orphanet 140162, MedGen C0027672, MeSH D009386, MONDO:0015356.
Hereditary breast ovarian cancer syndrome. Also called: Hereditary breast and ovarian cancer syndrome (HBOC); Hereditary breast and ovarian cancer syndrome; Hereditary breast and ovarian cancer; Hereditary breast and/or ovarian cancer syndrome; Breast and ovarian cancer; BRCA1- and BRCA2-Associated Hereditary Breast and Ovarian Cancer. Identifiers: Orphanet 145, MedGen C0677776, MeSH D061325, MONDO:0003582. Disease mechanism: loss of function.
Breast-ovarian cancer, familial, susceptibility to, 1 (BROVCA1). Also called: OVARIAN CANCER, SUSCEPTIBILITY TO; BRCA1 Hereditary Breast and Ovarian Cancer. Identifiers: Orphanet 145, MedGen C2676676, MONDO:0011450, OMIM 604370. Disease mechanism: loss of function.

Allele frequency attached by ClinVar (database versions not stated): ExAC 0.00001; gnomAD 0.00001; gnomAD exomes 0.00001 and below 0.00001.
gnomAD v4.1: 9 of 1,612,436 alleles (0.00056%); highest among the groups gnomAD compares: Non-Finnish European, 0.00076%; no homozygotes.

Submissions (8):

Labcorp Genetics (formerly Invitae), Labcorp
Classification: Uncertain significance for Hereditary breast ovarian cancer syndrome. Last evaluated: 2024-09-24. Review status: criteria provided, single submitter. Criteria: Invitae Variant Classification Sherloc (09022015). Collection method: clinical testing. Allele origin: germline.
Comment: This sequence change falls in intron 7 of the BRCA1 gene. It does not directly change the encoded amino acid sequence of the BRCA1 protein. It affects a nucleotide within the consensus splice site. This variant is not present in population databases (gnomAD no frequency). This variant has not been reported in the literature in individuals affected with BRCA1-related conditions. ClinVar contains an entry for this variant (Variation ID: 37677). Variants that disrupt the consensus splice site are a relatively common cause of aberrant splicing (PMID: 17576681, 9536098). Algorithms developed to predict the effect of sequence changes on RNA splicing suggest that this variant is not likely to affect RNA splicing. In summary, the available evidence is currently insufficient to determine the role of this variant in disease. Therefore, it has been classified as a Variant of Uncertain Significance.

All of Us Research Program, National Institutes of Health
Classification: Likely benign for Breast-ovarian cancer, familial, susceptibility to, 1. Last evaluated: 2023-02-24. Review status: criteria provided, single submitter. Criteria: ACMG Guidelines, 2015. Collection method: clinical testing. Allele origin: germline. Inheritance: Autosomal dominant inheritance. Observed: 1 variant allele, 1 heterozygote.
Comment: This study involves interpretation of variants in research participants for the purpose of population health screening. Participant phenotype was not available at the time of variant classification. Additional details can be found in publication PMID: 35346344, PMCID: PMC8962531

Quest Diagnostics Nichols Institute San Juan Capistrano
Classification: Uncertain significance. Last evaluated: 2022-10-17. Review status: criteria provided, single submitter. Criteria: Quest Diagnostics criteria. Collection method: clinical testing. Allele origin: unknown.
Comment: To the best of our knowledge, the variant has not been reported in the published literature. The frequency of this variant in the general population, 0.000004 (1/250806 chromosomes), is uninformative in assessment of its pathogenicity. Analysis of this variant using software algorithms for the prediction of the effect of nucleotide changes on splicing yielded predictions that this variant does not affect BRCA1 mRNA splicing . Based on the available information, we are unable to determine the clinical significance of this variant.

Ambry Genetics
Classification: Likely benign for Hereditary cancer-predisposing syndrome. Last evaluated: 2019-10-11. Review status: criteria provided, single submitter. Criteria: Ambry Variant Classification Scheme 2023. Collection method: clinical testing. Allele origin: germline.

GeneDx
Classification: Uncertain significance. Last evaluated: 2016-09-23. Review status: criteria provided, single submitter. Criteria: GeneDx Variant Classification (06012015). Collection method: clinical testing. Allele origin: germline. Affected: yes.
Comment: This variant is denoted BRCA1 c.548-3T>C or IVS7-3T>C and consists of a T>C nucleotide substitution at the -3 position of intron 7 of the BRCA1 gene. Using alternate nomenclature, this variant would be defined as BRCA1 667-3T>C. In silico models are inconclusive with respect to splicing, and in the absence of RNA or functional studies, the actual effect of this variant is unknown. This variant has not, to our knowledge, been published in the literature as pathogenic or benign. BRCA1 c.548-3T>C was not observed in approximately 6,500 individuals of European and African American ancestry in the NHLBI Exome Sequencing Project, suggesting it is not a common benign variant in these populations. The thymine (T) nucleotide that is altered is not conserved across species. Based on currently available evidence, it is unclear whether BRCA1 c.548-3T>C is pathogenic or benign. We consider it to be a variant of uncertain significance.

Color Diagnostics, LLC DBA Color Health
Classification: Likely benign for Hereditary cancer-predisposing syndrome. Last evaluated: 2015-04-14. Review status: criteria provided, single submitter. Criteria: ACMG Guidelines, 2015. Collection method: clinical testing. Allele origin: germline.

Counsyl
Classification: Uncertain significance for Breast-ovarian cancer, familial, susceptibility to, 1. Last evaluated: 2018-03-07. Review status: no assertion criteria provided. Collection method: clinical testing. Allele origin: unknown. Not counted in ClinVar's aggregate classification.

Sharing Clinical Reports Project (SCRP)
Classification: Uncertain significance for Breast-ovarian cancer, familial 1. Last evaluated: 2010-05-24. Review status: no assertion criteria provided. Collection method: clinical testing. Allele origin: germline. Not counted in ClinVar's aggregate classification.

Literature cited by the submitters: PubMed 17576681 (cited by Labcorp Genetics (formerly Invitae), Labcorp); PubMed 9536098 (cited by Labcorp Genetics (formerly Invitae), Labcorp).